The following is an entry in ClinVar:

NM_001366385.1(CARD14):c.1816C>T (p.Gln606Ter)

Gene: CARD14 (caspase recruitment domain family member 14; plus strand). Cytogenetic location: 17q25.3.
Variant type: single nucleotide variant.
Coding change: c.1816C>T on transcript NM_001366385.1 (MANE Select); coding-DNA position 1816, C replaced by T.
Protein change: p.Gln606Ter; replaces glutamine 606 with a stop codon.
Molecular consequence: nonsense. On other transcripts: non-coding transcript variant (1).
Genome position (GRCh38, 1-based): chr17:80,198,556, C>T. VCF-style: chr17-80198556-C-T. GRCh37 (hg19) VCF-style: chr17-78172355-C-T.
Other names: c.1816C>T, p.Gln606Ter (NM_001257970.1, NM_024110.4); c.1105C>T, p.Gln369Ter (NM_052819.3); short protein forms Q369*, Q606*.
Identifiers: ClinVar variation 2927227 (VCV002927227.4), dbSNP rs1020900915, ClinGen allele CA294875769.

ClinVar aggregate classification (germline): Uncertain significance. Review status: criteria provided, multiple submitters, no conflicts (2 of 4 stars). 2 submissions from 2 submitters: Uncertain significance (2). Last evaluated 2022-12-09.

Conditions:
Pityriasis rubra pilaris (PRP). Also called: Pityriasis rubra pilaris--familial type. Identifiers: Orphanet 2897, MedGen C0032027, MONDO:0100017, OMIM 173200, MONDO:0008251.
Psoriasis 2. Identifiers: MedGen C1864497, MONDO:0011269, OMIM 602723.

Submissions (2):

Labcorp Genetics (formerly Invitae), Labcorp
Classification: Uncertain significance for Pityriasis rubra pilaris; Psoriasis 2. Last evaluated: 2022-12-09. Review status: criteria provided, single submitter. Criteria: Invitae Variant Classification Sherloc (09022015). Collection method: clinical testing. Allele origin: germline.
Comment: This sequence change creates a premature translational stop signal (p.Gln606*) in the CARD14 gene. It is expected to result in an absent or disrupted protein product. However, the current clinical and genetic evidence is not sufficient to establish whether loss-of-function variants in CARD14 cause disease. In summary, the available evidence is currently insufficient to determine the role of this variant in disease. Therefore, it has been classified as a Variant of Uncertain Significance. This variant has not been reported in the literature in individuals affected with CARD14-related conditions. This variant is present in population databases (no rsID available, gnomAD 0.003%).

Blueprint Genetics
Classification: Uncertain significance. Last evaluated: 2021-12-17. Review status: criteria provided, single submitter. Criteria: ACMG Guidelines, 2015. Collection method: clinical testing. Allele origin: germline.